The following is an entry in ClinVar:

NM_003072.5(SMARCA4):c.3383-36C>T

Gene: SMARCA4 (SWI/SNF related BAF chromatin remodeling complex subunit ATPase 4; plus strand). Cytogenetic location: 19p13.2.
Variant type: single nucleotide variant.
Coding change: c.3383-36C>T on transcript NM_003072.5 (MANE Select); 36 bases into the intron before coding-DNA position 3383, C replaced by T.
Molecular consequence: intron variant.
Genome position (GRCh38, 1-based): chr19:11,030,694, C>T. VCF-style: chr19-11030694-C-T. GRCh37 (hg19) VCF-style: chr19-11141370-C-T.
Other names: c.3383-36C>T (NM_001128844.3, NM_001128849.3, NM_001128847.4 and 5 more transcripts).
Identifiers: ClinVar variation 1696730 (VCV001696730.1), dbSNP rs2146595699, ClinGen allele CA2580096223.

ClinVar aggregate classification (germline): Uncertain significance (1 of 4 stars; one submission).

Conditions:
Intellectual disability, autosomal dominant 16 (CSS4). Also called: COFFIN-SIRIS SYNDROME 4. Identifiers: Orphanet 1465, MedGen C3553249, MONDO:0013821, OMIM 614609.

Allele frequency attached by ClinVar (database versions not stated): gnomAD exomes below 0.00001.
gnomAD v4.1: 1 of 1,596,652 alleles (0.000063%); highest among the groups gnomAD compares: Non-Finnish European, 0.000085%; no homozygotes.

Submission:

New York Genome Center
Classification: Uncertain significance for Intellectual disability, autosomal dominant 16. Last evaluated: 2021-06-11. Review status: criteria provided, single submitter. Criteria: NYGC Assertion Criteria 2020. Collection method: clinical testing. Allele origin: de novo. Observed: 1 heterozygote. Study: CSER-NYCKidSeq.
Comment: The de novo c.3383-36C>T variant identified in the SMARCA4 gene is a deep intronic variant at the -36 position within intron 24/34. This variant is absent from gnomAD(v3.1.1) suggesting it is not a common benign variant in the populations represented in that database. In silico algorithms SpliceAI and Transcript inferred Pathogenicity Score do not predict a deleterious effect to splicing (SpliceAI delta score=0.00; TraP Score=0.014). This variant is absent from ClinVar and to our current knowledge has not been reported in affected individuals in the literature. The de novo c.3383-36C>T variant identified in the SMARCA4 gene is reported as a Variant of Uncertain Significance.